The following is an entry in ClinVar:

ClinVar aggregate classification (germline): Uncertain significance (1 of 4 stars; one submission).

Submission:

GeneDx
Classification: Uncertain significance. Last evaluated: 2022-12-21. Review status: criteria provided, single submitter. Criteria: GeneDx Variant Classification Process June 2021. Collection method: clinical testing. Allele origin: germline. Affected: yes.
Comment: Not observed at significant frequency in large population cohorts (gnomAD); In silico analysis supports that this missense variant has a deleterious effect on protein structure/function; In silico analysis is inconclusive as to whether the variant alters gene splicing. In the absence of RNA/functional studies, the actual effect of this sequence change is unknown.; Has not been previously published as pathogenic or benign to our knowledge

NM_001021.6(RPS17):c.14G>T (p.Arg5Leu)

Gene: RPS17 (ribosomal protein S17; minus strand). Cytogenetic location: 15q25.2.
Variant type: single nucleotide variant.
Coding change: c.14G>T on transcript NM_001021.6 (MANE Select); coding-DNA position 14, G replaced by T.
Protein change: p.Arg5Leu; replaces arginine 5 with leucine.
Molecular consequence: missense variant. On other transcripts: non-coding transcript variant (2).
Genome position (GRCh38, 1-based): chr15:82,540,122, C>A on the plus strand (G>T on the coding strand, the complement: RPS17 is on the minus strand). VCF-style: chr15-82540122-C-A. GRCh37 (hg19) VCF-style: chr15-82824530-C-A.
Other names: short protein forms R5L.
Identifiers: ClinVar variation 2506833 (VCV002506833.1), dbSNP rs2548306458, ClinGen allele CA393409531.